The following is an entry in ClinVar:

ClinVar aggregate classification (germline): Pathogenic/Likely pathogenic. Review status: criteria provided, multiple submitters, no conflicts (2 of 4 stars). 2 submissions from 2 submitters: Pathogenic (1); Likely pathogenic (1). Last evaluated 2023-03-09.

Conditions:
OCA2-related disorder. Also called: OCA2-related condition.

Allele frequency attached by ClinVar (database versions not stated): gnomAD exomes below 0.00001.

Submissions (2):

Labcorp Genetics (formerly Invitae), Labcorp
Classification: Pathogenic. Last evaluated: 2023-03-09. Review status: criteria provided, single submitter. Criteria: Invitae Variant Classification Sherloc (09022015). Collection method: clinical testing. Allele origin: germline.
Comment: For these reasons, this variant has been classified as Pathogenic. This variant has not been reported in the literature in individuals affected with OCA2-related conditions. This sequence change creates a premature translational stop signal (p.Leu364Argfs*6) in the OCA2 gene. It is expected to result in an absent or disrupted protein product. Loss-of-function variants in OCA2 are known to be pathogenic (PMID: 19865097, 21541274). This variant is not present in population databases (gnomAD no frequency).

Blueprint Genetics
Classification: Likely pathogenic for OCA2-related disorders. Last evaluated: 2018-06-11. Review status: criteria provided, single submitter. Criteria: ACMG Guidelines, 2015. Collection method: clinical testing. Allele origin: germline. Affected: yes. Observed: 1 variant allele.

Literature cited by the submitters: PubMed 19865097 (cited by Labcorp Genetics (formerly Invitae), Labcorp); PubMed 21541274 (cited by Labcorp Genetics (formerly Invitae), Labcorp).

NM_000275.3(OCA2):c.1091del (p.Leu364fs)

Gene: OCA2 (OCA2 melanosomal transmembrane protein; minus strand). Cytogenetic location: 15q13.1.
Variant type: Deletion.
Coding change: c.1091del on transcript NM_000275.3 (MANE Select); coding-DNA position 1091, one base deleted (T; older notation c.1091delT).
Protein change: p.Leu364fs; shifts the reading frame from leucine 364.
Molecular consequence: frameshift variant. On other transcripts: intron variant (1).
Genome position (GRCh38, 1-based): chr15:27,990,601, A deleted on the plus strand (T on the coding strand, the reverse complement: OCA2 is on the minus strand). VCF-style (leftmost placement, unchanged base first): chr15-27990600-CA-C. GRCh37 (hg19) VCF-style: chr15-28235746-CA-C.
Other names: c.1045-935del (NM_001300984.2); short protein forms L364fs.
Identifiers: ClinVar variation 3013865 (VCV003013865.4), dbSNP rs2548363425, ClinGen allele CA2575653213.